The following is an entry in ClinVar:

ClinVar aggregate classification (germline): Uncertain significance (1 of 4 stars; one submission).

Submission:

Labcorp Genetics (formerly Invitae), Labcorp
Classification: Uncertain significance. Last evaluated: 2024-01-21. Review status: criteria provided, single submitter. Criteria: Invitae Variant Classification Sherloc (09022015). Collection method: clinical testing. Allele origin: germline.
Comment: This sequence change creates a premature translational stop signal (p.Ser142*) in the MCM5 gene. It is expected to result in an absent or disrupted protein product. However, the current clinical and genetic evidence is not sufficient to establish whether loss-of-function variants in MCM5 cause disease. This variant is not present in population databases (gnomAD no frequency). This variant has not been reported in the literature in individuals affected with MCM5-related conditions. Algorithms developed to predict the effect of sequence changes on RNA splicing suggest that this variant may create or strengthen a splice site. In summary, the available evidence is currently insufficient to determine the role of this variant in disease. Therefore, it has been classified as a Variant of Uncertain Significance.

NM_006739.4(MCM5):c.425C>A (p.Ser142Ter)

Gene: MCM5 (minichromosome maintenance complex component 5; plus strand). Cytogenetic location: 22q12.3.
Variant type: single nucleotide variant.
Coding change: c.425C>A on transcript NM_006739.4 (MANE Select); coding-DNA position 425, C replaced by A.
Protein change: p.Ser142Ter; replaces serine 142 with a stop codon.
Molecular consequence: nonsense.
Genome position (GRCh38, 1-based): chr22:35,406,554, C>A. VCF-style: chr22-35406554-C-A. GRCh37 (hg19) VCF-style: chr22-35802547-C-A.
Other names: short protein forms S142*.
Identifiers: ClinVar variation 2802995 (VCV002802995.3), dbSNP rs1486560412, ClinGen allele CA411361910.
Genomic context (GRCh38, chr22:35,406,554, plus strand): 5'-TATCTCAGATGCGTCCTGGCTCCCCTTAACCAACAAGCTTCCCGATGGCTCTATTACAGT[C>A]GGACATGATGTCACACCTGGTGAAGATCCCTGGCATCATCATCGCGGCCTCTGCGGTCCG-3'